The following is an entry in ClinVar:

ClinVar aggregate classification (germline): Likely benign (0 of 4 stars; one submission).

Conditions:
CTNND1-related disorder. Also called: CTNND1-related condition.

Allele frequency attached by ClinVar (database versions not stated): gnomAD exomes 0.00007; ExAC 0.00026; ESP Exome Variant Server 0.00058; 1000 Genomes Project 0.00060; 1000 Genomes Project 30x 0.00062; gnomAD 0.00062; TOPMed 0.00074.
gnomAD v4.1: 202 of 1,610,046 alleles (0.013%); highest among the groups gnomAD compares: African/African-American, 0.25%; no homozygotes.

Submission:

PreventionGenetics, part of Exact Sciences
Classification: Likely benign for CTNND1-related condition. Last evaluated: 2023-01-20. Review status: no assertion criteria provided. Collection method: clinical testing. Allele origin: germline.
Comment: This variant is classified as likely benign based on ACMG/AMP sequence variant interpretation guidelines (Richards et al. 2015 PMID: 25741868, with internal and published modifications).

NM_001085458.2(CTNND1):c.337A>C (p.Thr113Pro)

Genes: CTNND1 (catenin delta 1; plus strand), TMX2-CTNND1 (TMX2-CTNND1 readthrough (NMD candidate); plus strand). Cytogenetic location: 11q12.1.
Variant type: single nucleotide variant.
Coding change: c.337A>C on transcript NM_001085458.2 (MANE Select); coding-DNA position 337, A replaced by C.
Protein change: p.Thr113Pro; replaces threonine 113 with proline.
Molecular consequence: missense variant. On other transcripts: non-coding transcript variant (1).
Genome position (GRCh38, 1-based): chr11:57,795,646, A>C. VCF-style: chr11-57795646-A-C. GRCh37 (hg19) VCF-style: chr11-57563118-A-C.
Other names: c.337A>C, p.Thr113Pro (NM_001085459.2, NM_001085460.2, NM_001085461.2 and 3 more transcripts); c.34A>C, p.Thr12Pro (NM_001085463.2, NM_001085464.2, NM_001085465.2 and 5 more transcripts); c.175A>C, p.Thr59Pro (NM_001206883.2, NM_001206884.2, NM_001206886.2 and 4 more transcripts); short protein forms T113P, T12P, T59P.
Identifiers: ClinVar variation 3057385 (VCV003057385.2), dbSNP rs201815246, ClinGen allele CA6010221.